The following is an entry in ClinVar:

NM_000059.4(BRCA2):c.6611C>T (p.Pro2204Leu)

Gene: BRCA2 (BRCA2 DNA repair associated; plus strand). Cytogenetic location: 13q13.1.
Variant type: single nucleotide variant.
Coding change: c.6611C>T on transcript NM_000059.4 (MANE Select); coding-DNA position 6611, C replaced by T.
Protein change: p.Pro2204Leu; replaces proline 2204 with leucine.
Molecular consequence: missense variant.
Genome position (GRCh38, 1-based): chr13:32,340,966, C>T. VCF-style: chr13-32340966-C-T. GRCh37 (hg19) VCF-style: chr13-32915103-C-T.
Other names: short protein forms P2204L.
Identifiers: ClinVar variation 483022 (VCV000483022.7), dbSNP rs1555284771, ClinGen allele CA387790152.
Genomic context (GRCh38, chr13:32,340,966, plus strand): 5'-AGGCTTCACCTAAAAACGTAAAAATGGAAATTGGTAAAACTGAAACTTTTTCTGATGTTC[C>T]TGTGAAAACAAATATAGAAGTTTGTTCTACTTACTCCAAAGATTCAGAAAACTACTTTGA-3'
Protein context (NP_000050.3, residues 2194-2214): IGKTETFSDV[Pro2204Leu]VKTNIEVCST

ClinVar aggregate classification (germline): Conflicting classifications of pathogenicity. Review status: criteria provided, conflicting classifications (1 of 4 stars). 2 submissions from 2 submitters: Uncertain significance (1); Likely benign (1). Last evaluated 2023-03-23.

Conditions:
Hereditary cancer-predisposing syndrome. Also called: Neoplastic Syndromes, Hereditary; Tumor predisposition; Hereditary Cancer Syndrome; Hereditary neoplastic syndrome. Identifiers: Orphanet 140162, MedGen C0027672, MeSH D009386, MONDO:0015356.

gnomAD v4.1: 1 of 1,608,908 alleles (0.000062%); highest among the groups gnomAD compares: Non-Finnish European, 0.000085%; no homozygotes.

Submissions (2):

University of Washington Department of Laboratory Medicine, University of Washington
Classification: Likely benign for Hereditary cancer-predisposing syndrome. Last evaluated: 2023-03-23. Review status: criteria provided, single submitter. Criteria: Dines et al. (Genet Med. 2020). Collection method: curation. Allele origin: germline.
Comment: Missense variant in a coldspot region where missense variants are very unlikely to be pathogenic (PMID:31911673).

BRCA2 exon 11 coldspot. Reclassification based on statistical prior probability.

Ambry Genetics
Classification: Uncertain significance for Hereditary cancer-predisposing syndrome. Last evaluated: 2016-04-26. Review status: criteria provided, single submitter. Criteria: Ambry Variant Classification Scheme 2023. Collection method: clinical testing. Allele origin: germline.
Comment: The p.P2204L variant (also known as c.6611C>T), located in coding exon 10 of the BRCA2 gene, results from a C to T substitution at nucleotide position 6611. The proline at codon 2204 is replaced by leucine, an amino acid with similar properties. This variant was not reported in population based cohorts in the following databases: Database of Single Nucleotide Polymorphisms (dbSNP), NHLBI Exome Sequencing Project (ESP), and 1000 Genomes Project. In the ESP, this variant was not observed in 6502 samples (13004 alleles) with coverage at this position. To date, this alteration has been detected with an allele frequency of approximately 0.0004% (greater than 225000 alleles tested) in our clinical cohort. This amino acid position is not well conserved in available vertebrate species. In addition, the in silico prediction for this alteration is inconclusive. Since supporting evidence is limited at this time, the clinical significance of this alteration remains unclear.